The following is an entry in ClinVar:

NM_138694.4(PKHD1):c.5912G>A (p.Gly1971Asp)

Gene: PKHD1 (PKHD1 ciliary IPT domain containing fibrocystin/polyductin; minus strand). Cytogenetic location: 6p12.2.
Variant type: single nucleotide variant.
Coding change: c.5912G>A on transcript NM_138694.4 (MANE Select); coding-DNA position 5912, G replaced by A.
Protein change: p.Gly1971Asp; replaces glycine 1971 with aspartic acid.
Molecular consequence: missense variant.
Genome position (GRCh38, 1-based): chr6:51,934,319, C>T on the plus strand (G>A on the coding strand, the complement: PKHD1 is on the minus strand). VCF-style: chr6-51934319-C-T. GRCh37 (hg19) VCF-style: chr6-51799117-C-T.
Other names: c.5912G>A, p.Gly1971Asp (NM_170724.3); c.5912G>A (NM_170724.2); short protein forms G1971D.
Identifiers: ClinVar variation 377269 (VCV000377269.27), dbSNP rs180675584, ClinGen allele CA3852378.
Genomic context (GRCh38, chr6:51,934,319, plus strand): 5'-GAAACAAGGATGGCGTGTGCCCTGAGCTCGATGGGTCCTGGGGCCATGAAAATCAGCTTG[C>T]CCCCTAATGGACAAAGGGAAAATTGTCAGTCCCTGGGAGGATAAGGCTTACCGTTTTGTC-3'
Protein context (NP_619639.3, residues 1961-1981): SILNLLHIKG[Gly1971Asp]KLIFMAPGPI

ClinVar aggregate classification (germline): Pathogenic/Likely pathogenic. Review status: criteria provided, multiple submitters, no conflicts (2 of 4 stars). 11 submissions from 11 submitters: Pathogenic (6); Likely pathogenic (3). 2 of the submissions do not count toward it. Last evaluated 2026-03-02.

Conditions:
Polycystic kidney disease 4 (PKD4). Also called: POLYCYSTIC KIDNEY AND HEPATIC DISEASE 1; POLYCYSTIC KIDNEY DISEASE, INFANTILE, TYPE I; Autosomal Recessive Polycystic Kidney Disease – PKHD1; POLYCYSTIC KIDNEY DISEASE 4 WITH OR WITHOUT POLYCYSTIC LIVER DISEASE; PKD3. Identifiers: MedGen C4540575, MONDO:0033004, OMIM 263200.
Cholestasis. Identifiers: MedGen C0008370, MONDO:0001751, HP:0001396.
PKHD1-related disorder. Also called: PKHD1-related condition.
Autosomal recessive polycystic kidney disease (ARPKD). Also called: AR polycystic kidney disease. Identifiers: Orphanet 731, Orphanet 8378, MedGen C0085548, MeSH D017044, MONDO:0009889.

Allele frequency attached by ClinVar (database versions not stated): ExAC 0.00004; gnomAD exomes 0.00004 and 0.00012; TOPMed 0.00004; gnomAD 0.00005 and 0.00006; ESP Exome Variant Server 0.00008; 1000 Genomes Project 30x 0.00016; 1000 Genomes Project 0.00020.
gnomAD v4.1: 176 of 1,609,084 alleles (0.011%); highest among the groups gnomAD compares: Non-Finnish European, 0.014%; no homozygotes.

Submissions (11):

Institute Of Liver Studies, NHS South East Genomic Laboratory Hub
Classification: Likely pathogenic for Cholestasis. Last evaluated: 2026-03-02. Review status: criteria provided, single submitter. Criteria: ACGS Best Practice Guidelines for Variant Classification in Rare Disease 2024. Collection method: clinical testing. Allele origin: germline. Affected: yes.

Natera, Inc.
Classification: Pathogenic for Autosomal recessive polycystic kidney disease. Last evaluated: 2025-08-23. Review status: criteria provided, single submitter. Criteria: Natera Variant Classification Schema (03/2026). Collection method: clinical testing. Allele origin: germline.
Comment: The c.5912G>A variant in PKHD1 is a missense variant predicted to cause substitution of glycine to aspartic acid at amino acid 1971. This variant is rare in the general population with a frequency below the threshold expected for the associated phenotype(s). This variant has been observed in one or more individuals affected with the associated recessive disease, as either homozygous or compound heterozygous with a second variant (PMID: 15805161, 19021639, 22034641, 29801666, 38885798). Additionally, this variant has been observed to segregate in affected family members (PMID: 19021639). Computational prediction algorithms indicate this variant is likely to affect gene or protein function. Given the available evidence, this variant is classified as Pathogenic.

Victorian Clinical Genetics Services, Murdoch Childrens Research Institute
Classification: Pathogenic for Polycystic kidney disease 4. Last evaluated: 2025-05-01. Review status: criteria provided, single submitter. Criteria: ACMG Guidelines, 2015. Collection method: clinical testing. Allele origin: germline.
Comment: This variant is classified as Pathogenic. Evidence in support of pathogenic classification: Variant is present in gnomAD (v2 & v3) <0.01 (17 heterozygotes, 0 homozygotes); This variant has strong previous evidence of pathogenicity in unrelated individuals. This variant has been classified as pathogenic or likely pathogenc by mulitple clinical laboratories in ClinVar, and has been observed as homozygous or compound heterozygous in several individuals with ARPKD (PMIDs: 22034641, 19021639, 15805161); Missense variant consistently predicted to be damaging by multiple in silico tools or highly conserved with a major amino acid change. Additional information: Variant is predicted to result in a missense amino acid change from glycine to aspartic acid; This gene is associated with autosomal recessive disease, however there are emerging reports of heterozygous carriers of PKHD1 variants developing liver cysts and nephrocalcinosis (PMID: 21945273); No comparable missense variants have previous evidence for pathogenicity; Variant is located in the annotated G8 domain (DECIPHER); Loss of function is a known mechanism of disease in this gene and is associated with polycystic kidney disease 4, with or without hepatic disease (MIM#263200); Variants in this gene are known to have variable expressivity. Significant intra-familial variability has been reported (PMID: 20301501).

Labcorp Genetics (formerly Invitae), Labcorp
Classification: Pathogenic for Autosomal recessive polycystic kidney disease. Last evaluated: 2024-12-15. Review status: criteria provided, single submitter. Criteria: Invitae Variant Classification Sherloc (09022015). Collection method: clinical testing. Allele origin: germline.
Comment: This sequence change replaces glycine, which is neutral and non-polar, with aspartic acid, which is acidic and polar, at codon 1971 of the PKHD1 protein (p.Gly1971Asp). This variant is present in population databases (rs180675584, gnomAD 0.009%). This missense change has been observed in individuals with polycystic kidney disease (PMID: 12874454, 19940839). ClinVar contains an entry for this variant (Variation ID: 377269). Invitae Evidence Modeling of protein sequence and biophysical properties (such as structural, functional, and spatial information, amino acid conservation, physicochemical variation, residue mobility, and thermodynamic stability) indicates that this missense variant is expected to disrupt PKHD1 protein function with a positive predictive value of 95%. For these reasons, this variant has been classified as Pathogenic.

GeneDx
Classification: Likely pathogenic. Last evaluated: 2024-09-06. Review status: criteria provided, single submitter. Criteria: GeneDx Variant Classification Process June 2021. Collection method: clinical testing. Allele origin: germline. Affected: yes.
Comment: Not observed at significant frequency in large population cohorts (gnomAD); In silico analysis supports that this missense variant has a deleterious effect on protein structure/function; This variant is associated with the following publications: (PMID: 31589614, 25263802, 14741187, 22034641, 12874454, 15805161, 19940839)

Blueprint Genetics
Classification: Pathogenic for PKHD1-related disorders. Last evaluated: 2023-11-03. Review status: criteria provided, single submitter. Criteria: ACMG Guidelines, 2015. Collection method: clinical testing. Allele origin: germline. Affected: yes. Observed: 2 variant alleles.

Center for Pediatric Genomic Medicine, Children's Mercy Hospital and Clinics
Classification: Pathogenic. Last evaluated: 2017-01-06. Review status: criteria provided, single submitter. Criteria: ACMG Guidelines, 2015. Collection method: clinical testing. Allele origin: germline.

HudsonAlpha Institute for Biotechnology
Classification: Likely pathogenic for Polycystic kidney disease 4. Last evaluated: 2014-10-13. Review status: criteria provided, single submitter. Criteria: ACMG Guidelines, 2015. Collection method: research. Allele origin: unknown. Affected: yes. Observed: 1 variant allele. Study: CSER-SouthSeq.
Comment: ACMG codes: PM2; PM3; PP3; PP5

Baylor Genetics
Classification: Pathogenic for Polycystic kidney disease 4. Review status: criteria provided, single submitter. Criteria: ACMG Guidelines, 2015. Collection method: clinical testing. Allele origin: germline.

PreventionGenetics, part of Exact Sciences
Classification: Pathogenic for PKHD1-related condition. Last evaluated: 2024-05-04. Review status: no assertion criteria provided. Collection method: clinical testing. Allele origin: germline. Not counted in ClinVar's aggregate classification.
Comment: The PKHD1 c.5912G>A variant is predicted to result in the amino acid substitution p.Gly1971Asp. This variant has been repeatedly reported to be pathogenic for autosomal recessive polycystic kidney disease (ARPKD) (see for example, Bergmann et al. 2011. PubMed ID: 22034641; Furu et al. 2003. PubMed ID: 12874454; Sharp et al. 2005. PubMed ID: 15805161). This variant is reported in 0.009% of alleles in individuals of European (Non-Finnish) descent in gnomAD. This variant is interpreted as pathogenic.

Sydney Genome Diagnostics, Children's Hospital Westmead
Classification: Likely pathogenic for Autosomal recessive polycystic kidney disease. Last evaluated: 2018-05-22. Review status: no assertion criteria provided. Collection method: clinical testing. Allele origin: unknown. Affected: yes. Observed: 1 variant allele, 1 compound heterozygote. Not counted in ClinVar's aggregate classification.
Comment: This variant has been previously reported in patients with autosomal recessive polycystic kidney disease either in the homozygous form or compound heterozygous with a second pathogenic PKHD1 variant (Sharp et al J Med Genet 2005; 42:336-349; Bergmann et al 2011 J Am Soc Nephrol 22: 2047-2056). This variant has been reported in the gnomAD browser with a low allele frequency of 0.004% (12/ 276, 768 alleles). In silico analysis of pathogenicity (through Alamut Visual v2.8.1) using PolyPhen2, SIFT and MutationTaster suggest that this variant is likely to be pathogenic. This variant is considered to be likely pathogenic according to the ACMG guidelines.

Literature cited by the submitters: PubMed 15805161 (cited by Natera, Inc. and Victorian Clinical Genetics Services, Murdoch Childrens Research Institute); PubMed 19021639 (cited by Natera, Inc. and Victorian Clinical Genetics Services, Murdoch Childrens Research Institute); PubMed 22034641 (cited by Natera, Inc. and Victorian Clinical Genetics Services, Murdoch Childrens Research Institute); PubMed 29801666 (cited by Natera, Inc.); PubMed 38885798 (cited by Natera, Inc.); PubMed 20301501 (cited by Victorian Clinical Genetics Services, Murdoch Childrens Research Institute); PubMed 21945273 (cited by Victorian Clinical Genetics Services, Murdoch Childrens Research Institute); PubMed 12874454 (cited by Labcorp Genetics (formerly Invitae), Labcorp); PubMed 19940839 (cited by Labcorp Genetics (formerly Invitae), Labcorp).